The following is an entry in ClinVar:

ClinVar aggregate classification (germline): Likely benign (1 of 4 stars; one submission).

Conditions:
MELAS syndrome (MELAS). Also called: Juvenile myopathy, encephalopathy, lactic acidosis, stroke. Identifiers: Orphanet 550, MedGen C0162671, MONDO:0010789, OMIM 540000.

Submission:

Wong Mito Lab, Molecular and Human Genetics, Baylor College of Medicine
Classification: Likely benign for MELAS syndrome. Last evaluated: 2019-07-12. Review status: criteria provided, single submitter. Criteria: Modified ACMG Guidelines (Unpublished). Collection method: clinical testing. Allele origin: germline.
Comment: The NC_012920.1:m.9995T>C variant in MT-TG gene is interpreted to be a Likely Benign variant based on the modified ACMG guidelines (unpublished). This variant meets the following evidence codes reported in the guidelines: BS1, BP4, BP6

Literature cited by the submitters: PubMed 31965079.

NC_012920.1(MT-TG):m.9995T>C

Gene: MT-TG (mitochondrially encoded tRNA glycine; plus strand).
Variant type: single nucleotide variant.
Genome position: chrM-9995-T-C.
Identifiers: ClinVar variation 690088 (VCV000690088.1), dbSNP rs1603222616, ClinGen allele CA913182447.
Genomic context (GRCh38, chrMT:9,995, plus strand): 5'-TTTTGTAGATGTGGTTTGACTATTTCTGTATGTCTCCATCTATTGATGAGGGTCTTACTC[T>C]TTTAGTATAAATAGTACCGTTAACTTCCAATTAACTAGTTTTGACAACATTCAAAAAAGA-3'